The following is an entry in ClinVar:

ClinVar aggregate classification (germline): Likely benign (1 of 4 stars; one submission).

Submission:

CeGaT Center for Human Genetics Tuebingen
Classification: Likely benign. Last evaluated: 2025-07-01. Review status: criteria provided, single submitter. Criteria: CeGaT Center For Human Genetics Tuebingen Variant Classification Criteria Version 2. Collection method: clinical testing. Allele origin: germline. Affected: yes. Observed: 1 variant allele.
Comment: MAP1B: PM2:Supporting, BP4, BP7

NM_005909.5(MAP1B):c.5391A>G (p.Ser1797=)

Gene: MAP1B (microtubule associated protein 1B; plus strand). Cytogenetic location: 5q13.2.
Variant type: single nucleotide variant.
Coding change: c.5391A>G on transcript NM_005909.5 (MANE Select); coding-DNA position 5391, A replaced by G.
Protein change: p.Ser1797=; no amino-acid change (serine 1797 retained).
Molecular consequence: synonymous variant.
Genome position (GRCh38, 1-based): chr5:72,198,746, A>G. VCF-style: chr5-72198746-A-G. GRCh37 (hg19) VCF-style: chr5-71494573-A-G.
Other names: c.5013A>G, p.Ser1671= (NM_001324255.2).
Identifiers: ClinVar variation 4085267 (VCV004085267.8).
Genomic context (GRCh38, chr5:72,198,746, plus strand): 5'-GCTCTCTCCAAAATCTGATATCTCTCCACTCACCCCACGAGAGTCCTCTCCTTTATATTC[A>G]CCTACTTTTTCAGATTCTACCTCTGCAGTCAAAGAGAAAACAGCAACTTGCCACAGTTCC-3'
Protein context (NP_005900.2, residues 1787-1807): LTPRESSPLY[Ser1797=]PTFSDSTSAV